The following is an entry in ClinVar:

NM_004006.3(DMD):c.3270G>T (p.Gln1090His)

Gene: DMD (dystrophin; minus strand). Cytogenetic location: Xp21.1.
Variant type: single nucleotide variant.
Coding change: c.3270G>T on transcript NM_004006.3 (MANE Select); coding-DNA position 3270, G replaced by T.
Protein change: p.Gln1090His; replaces glutamine 1090 with histidine.
Molecular consequence: missense variant.
Genome position (GRCh38, 1-based): chrX:32,464,592, C>A on the plus strand (G>T on the coding strand, the complement: DMD is on the minus strand). VCF-style: chrX-32464592-C-A. GRCh37 (hg19) VCF-style: chrX-32482709-C-A.
Other names: c.3246G>T, p.Gln1082His (NM_000109.4); c.3258G>T, p.Gln1086His (NM_004009.3); c.2901G>T, p.Gln967His (NM_004010.3); short protein forms Q967H, Q1086H, Q1090H, Q1082H.
Identifiers: ClinVar variation 663356 (VCV000663356.9), dbSNP rs373475857, ClinGen allele CA412664699.

ClinVar aggregate classification (germline): Uncertain significance (1 of 4 stars; one submission).

Conditions:
Duchenne muscular dystrophy (DMD). Also called: MUSCULAR DYSTROPHY, PSEUDOHYPERTROPHIC PROGRESSIVE, DUCHENNE TYPE; Duchenne Muscular Dystrophy (DMD). Identifiers: Orphanet 98896, MedGen C0013264, MONDO:0010679, OMIM 310200.

gnomAD v4.1: 3 of 1,192,136 alleles (0.00025%); highest among the groups gnomAD compares: Non-Finnish European, 0.00034%; no homozygotes.

Submission:

Labcorp Genetics (formerly Invitae), Labcorp
Classification: Uncertain significance for Duchenne muscular dystrophy. Last evaluated: 2018-09-19. Review status: criteria provided, single submitter. Criteria: Invitae Variant Classification Sherloc (09022015). Collection method: clinical testing. Allele origin: germline.
Comment: This variant is not present in population databases (ExAC no frequency). This sequence change replaces glutamine with histidine at codon 1090 of the DMD protein (p.Gln1090His). The glutamine residue is highly conserved and there is a small physicochemical difference between glutamine and histidine. This variant has not been reported in the literature in individuals with DMD-related disease. In summary, the available evidence is currently insufficient to determine the role of this variant in disease. Therefore, it has been classified as a Variant of Uncertain Significance. Algorithms developed to predict the effect of missense changes on protein structure and function are either unavailable or do not agree on the potential impact of this missense change (SIFT: "Deleterious"; PolyPhen-2: "Possibly Damaging"; Align-GVGD: "Class C0").